The following is an entry in ClinVar:

ClinVar aggregate classification (germline): Pathogenic (1 of 4 stars; one submission).

Conditions:
Hereditary cancer-predisposing syndrome. Also called: Neoplastic Syndromes, Hereditary; Tumor predisposition; Hereditary Cancer Syndrome; Hereditary neoplastic syndrome. Identifiers: Orphanet 140162, MedGen C0027672, MeSH D009386, MONDO:0015356.

Allele frequency attached by ClinVar (database versions not stated): gnomAD exomes below 0.00001.
gnomAD v4.1: 1 of 1,613,466 alleles (0.000062%); highest among the groups gnomAD compares: Non-Finnish European, 0.000085%; no homozygotes.

Submissions (2):

Ambry Genetics
Classification: Pathogenic for Hereditary cancer-predisposing syndrome. Last evaluated: 2021-08-20. Review status: criteria provided, single submitter. Criteria: Ambry Variant Classification Scheme 2023. Collection method: clinical testing. Allele origin: germline.
Comment: The p.V1713G variant (also known as c.5138T>G), located in coding exon 16 of the BRCA1 gene, results from a T to G substitution at nucleotide position 5138. The valine at codon 1713 is replaced by glycine, an amino acid with dissimilar properties. One functional study found that this nucleotide substitution is non-functional in a high-throughput, genome editing, haploid cell survival assay (Findlay GM et al. Nature, 2018 10;562:217-222). This variant is considered to be rare based on population cohorts in the Genome Aggregation Database (gnomAD). This amino acid position is not well conserved in available vertebrate species. In addition, this alteration is predicted to be deleterious by in silico analysis. Based on the supporting evidence, this alteration is interpreted as a disease-causing mutation.

Brotman Baty Institute, University of Washington
No classification provided (evidence only). Condition: Breast-ovarian cancer, familial 1. Review status: no classification provided. Collection method: in vitro. Allele origin: not applicable. Functional consequence: functionally_abnormal. Not counted in ClinVar's aggregate classification.
ClinVar note: "not provided" was previously submitted as the classification for the variant. However, the classification appeared to be based only on an observation of functional data so it was converted to no classification on 2025-07-30.

Literature cited by the submitters: PubMed 30209399 (cited by Ambry Genetics).

NM_007294.4(BRCA1):c.5138T>G (p.Val1713Gly)

Gene: BRCA1 (BRCA1 DNA repair associated; minus strand). Cytogenetic location: 17q21.31.
Variant type: single nucleotide variant.
Coding change: c.5138T>G on transcript NM_007294.4 (MANE Select); coding-DNA position 5138, T replaced by G.
Protein change: p.Val1713Gly; replaces valine 1713 with glycine.
Molecular consequence: missense variant. On other transcripts: non-coding transcript variant (1).
Genome position (GRCh38, 1-based): chr17:43,063,888, A>C on the plus strand (T>G on the coding strand, the complement: BRCA1 is on the minus strand). VCF-style: chr17-43063888-A-C. GRCh37 (hg19) VCF-style: chr17-41215905-A-C.
Other names: c.5201T>G, p.Val1734Gly (NM_001407583.1, NM_001407585.1, NM_001407587.1 and 1 more transcripts); c.5198T>G, p.Val1733Gly (NM_001407590.1, NM_001407591.1); c.5138T>G, p.Val1713Gly (NM_001407593.1, NM_001407594.1, NM_001407596.1 and 7 more transcripts); c.5135T>G, p.Val1712Gly (NM_001407614.1, NM_001407615.1, NM_001407616.1 and 17 more transcripts); c.5132T>G, p.Val1711Gly (NM_001407633.1, NM_001407634.1, NM_001407635.1 and 14 more transcripts); c.5057T>G, p.Val1686Gly (NM_001407656.1, NM_001407657.1, NM_001407658.1); c.5054T>G, p.Val1685Gly (NM_001407659.1, NM_001407660.1, NM_001407661.1 and 2 more transcripts); c.5015T>G, p.Val1672Gly (NM_001407664.1, NM_001407919.1, NM_001407937.1 and 6 more transcripts); and 71 more; short protein forms V1666G, V1713G, V1734G, V609G, V1417G, V1601G, V1602G, V1624G.
Identifiers: ClinVar variation 868702 (VCV000868702.5), dbSNP rs80357132, ClinGen allele CA10591264.
Genomic context (GRCh38, chr17:43,063,888, plus strand): 5'-TTCTGAGGTGTTAAAGGGAGGAGGGGAGAAATAGTATTATACTTACAGAAATAGCTAACT[A>C]CCCATTTTCCTCCCGCAATTCCTAGAAAATATTTCAGTGTCCGTTCACACACAAACTCAG-3'
Protein context (NP_009225.1, residues 1703-1723): YFLGIAGGKW[Val1713Gly]VSYFWVTQSI